The following is an entry in ClinVar:

NM_020312.4(COQ9):c.521+1G>A

Gene: COQ9 (coenzyme Q9; plus strand). Cytogenetic location: 16q21.
Variant type: single nucleotide variant.
Coding change: c.521+1G>A on transcript NM_020312.4 (MANE Select); the canonical splice donor site of the intron after coding-DNA position 521, G replaced by A.
Molecular consequence: splice donor variant.
Genome position (GRCh38, 1-based): chr16:57,456,647, G>A. VCF-style: chr16-57456647-G-A. GRCh37 (hg19) VCF-style: chr16-57490559-G-A.
Identifiers: ClinVar variation 1402898 (VCV001402898.6), dbSNP rs755558659, ClinGen allele CA396028626.
Genomic context (GRCh38, chr16:57,456,647, plus strand): 5'-TACCCGGCTCACACGTGTGCTAGAAGAGGAGCAGAAGCTGGTACAGTTGGGCCAGGCGGA[G>A]TAAGTCCCATGGCATTACTACTCAGGGTGGCAGCTAAGGATCAGGGAACTTGGGCCCTAC-3'

ClinVar aggregate classification (germline): Pathogenic (1 of 4 stars; one submission).

Allele frequency attached by ClinVar (database versions not stated): gnomAD 0.00001.
gnomAD v4.1: 3 of 1,613,392 alleles (0.00019%); highest among the groups gnomAD compares: Non-Finnish European, 0.00025%; no homozygotes.

Submission:

Labcorp Genetics (formerly Invitae), Labcorp
Classification: Pathogenic. Last evaluated: 2021-12-02. Review status: criteria provided, single submitter. Criteria: Invitae Variant Classification Sherloc (09022015). Collection method: clinical testing. Allele origin: germline.
Comment: This variant is not present in population databases (gnomAD no frequency). This sequence change affects a donor splice site in intron 4 of the COQ9 gene. RNA analysis indicates that disruption of this splice site induces altered splicing and likely results in a shortened protein product. Disruption of this splice site has been observed in individual(s) with clinical features of coenzyme Q10 deficiency (PMID: 29560582). It has also been observed to segregate with disease in related individuals. For these reasons, this variant has been classified as Pathogenic. Studies have shown that disruption of this splice site results in skipping of exons 4-5, but is expected to preserve the integrity of the reading-frame (PMID: 29560582).

Literature cited by the submitters: PubMed 29560582.